The following is an entry in ClinVar:

ClinVar aggregate classification (germline): Uncertain significance. Review status: criteria provided, multiple submitters, no conflicts (2 of 4 stars). 2 submissions from 2 submitters: Uncertain significance (2). Last evaluated 2025-12-04.

Conditions:
Cardiovascular phenotype. Identifiers: MedGen CN230736.
Hereditary cancer-predisposing syndrome. Also called: Tumor predisposition; Neoplastic Syndromes, Hereditary; Hereditary Cancer Syndrome; Hereditary neoplastic syndrome. Identifiers: Orphanet 140162, MedGen C0027672, MeSH D009386, MONDO:0015356.

Submissions (2):

Labcorp Genetics (formerly Invitae), Labcorp
Classification: Uncertain significance. Last evaluated: 2025-12-04. Review status: criteria provided, single submitter. Criteria: Invitae Variant Classification Sherloc (09022015). Collection method: clinical testing. Allele origin: germline.
Comment: This sequence change replaces histidine, which is basic and polar, with aspartic acid, which is acidic and polar, at codon 540 of the LZTR1 protein (p.His540Asp). This variant is not present in population databases (gnomAD no frequency). This variant has not been reported in the literature in individuals affected with LZTR1-related conditions. ClinVar contains an entry for this variant (Variation ID: 3869305). An algorithm developed to predict the effect of missense changes on protein structure and function (PolyPhen-2) suggests that this variant is likely to be tolerated. In summary, the available evidence is currently insufficient to determine the role of this variant in disease. Therefore, it has been classified as a Variant of Uncertain Significance.

Ambry Genetics
Classification: Uncertain significance for Cardiovascular phenotype; Hereditary cancer-predisposing syndrome. Last evaluated: 2025-01-23. Review status: criteria provided, single submitter. Criteria: Ambry Variant Classification Scheme 2023. Collection method: clinical testing. Allele origin: germline.
Comment: The p.H540D variant (also known as c.1618C>G), located in coding exon 15 of the LZTR1 gene, results from a C to G substitution at nucleotide position 1618. The histidine at codon 540 is replaced by aspartic acid, an amino acid with similar properties. This amino acid position is conserved. In addition, the in silico prediction for this alteration is inconclusive. Based on the available evidence, the clinical significance of this variant remains unclear.

NM_006767.4(LZTR1):c.1618C>G (p.His540Asp)

Gene: LZTR1 (leucine zipper like post translational regulator 1; plus strand). Cytogenetic location: 22q11.21.
Variant type: single nucleotide variant.
Coding change: c.1618C>G on transcript NM_006767.4 (MANE Select); coding-DNA position 1618, C replaced by G.
Protein change: p.His540Asp; replaces histidine 540 with aspartic acid.
Molecular consequence: missense variant.
Genome position (GRCh38, 1-based): chr22:20,994,560, C>G. VCF-style: chr22-20994560-C-G. GRCh37 (hg19) VCF-style: chr22-21348849-C-G.
Other names: short protein forms H540D.
Identifiers: ClinVar variation 3869305 (VCV003869305.2).